The following is an entry in ClinVar:

ClinVar aggregate classification (germline): Uncertain significance. Review status: criteria provided, multiple submitters, no conflicts (2 of 4 stars). 3 submissions from 3 submitters: Uncertain significance (3). Last evaluated 2025-09-17.

Conditions:
Cardiovascular phenotype. Identifiers: MedGen CN230736.
Dilated cardiomyopathy 1W (CMD1W). Identifiers: Orphanet 154, MedGen C1969639, MONDO:0012667, OMIM 611407.

Allele frequency attached by ClinVar (database versions not stated): ExAC 0.00001; gnomAD exomes 0.00001.
gnomAD v4.1: 9 of 1,614,208 alleles (0.00056%); highest among the groups gnomAD compares: Non-Finnish European, 0.00068%; no homozygotes.

Submissions (3):

Ambry Genetics
Classification: Uncertain significance for Cardiovascular phenotype. Last evaluated: 2025-09-17. Review status: criteria provided, single submitter. Criteria: Ambry Variant Classification Scheme 2023. Collection method: clinical testing. Allele origin: germline.
Comment: The p.Q747H variant (also known as c.2241G>C), located in coding exon 16 of the VCL gene, results from a G to C substitution at nucleotide position 2241. The glutamine at codon 747 is replaced by histidine, an amino acid with highly similar properties. This amino acid position is conserved. In addition, the in silico prediction for this alteration is inconclusive. Based on the available evidence, the clinical significance of this variant remains unclear.

Labcorp Genetics (formerly Invitae), Labcorp
Classification: Uncertain significance for Dilated cardiomyopathy 1W. Last evaluated: 2023-09-19. Review status: criteria provided, single submitter. Criteria: Invitae Variant Classification Sherloc (09022015). Collection method: clinical testing. Allele origin: germline.
Comment: This sequence change replaces glutamine, which is neutral and polar, with histidine, which is basic and polar, at codon 747 of the VCL protein (p.Gln747His). This variant is present in population databases (rs770019329, gnomAD 0.002%). This variant has not been reported in the literature in individuals affected with VCL-related conditions. ClinVar contains an entry for this variant (Variation ID: 1305129). An algorithm developed to predict the effect of missense changes on protein structure and function (PolyPhen-2) suggests that this variant is likely to be disruptive. In summary, the available evidence is currently insufficient to determine the role of this variant in disease. Therefore, it has been classified as a Variant of Uncertain Significance.

GeneDx
Classification: Uncertain significance. Last evaluated: 2019-04-15. Review status: criteria provided, single submitter. Criteria: GeneDx Variant Classification Process June 2021. Collection method: clinical testing. Allele origin: germline. Affected: yes.
Comment: Has not been previously published as pathogenic or benign to our knowledge; Not observed at a significant frequency in large population cohorts (Lek et al., 2016); In silico analysis, which includes protein predictors and evolutionary conservation, supports a deleterious effect

NM_014000.3(VCL):c.2241G>C (p.Gln747His)

Gene: VCL (vinculin; plus strand). Cytogenetic location: 10q22.2.
Variant type: single nucleotide variant.
Coding change: c.2241G>C on transcript NM_014000.3 (MANE Select); coding-DNA position 2241, G replaced by C.
Protein change: p.Gln747His; replaces glutamine 747 with histidine.
Molecular consequence: missense variant.
Genome position (GRCh38, 1-based): chr10:74,105,160, G>C. VCF-style: chr10-74105160-G-C. GRCh37 (hg19) VCF-style: chr10-75864918-G-C.
Other names: c.2241G>C, p.Gln747His (NM_003373.4); short protein forms Q747H.
Identifiers: ClinVar variation 1305129 (VCV001305129.6), dbSNP rs770019329, ClinGen allele CA5563181.